The following is an entry in ClinVar:

ClinVar aggregate classification (germline): Uncertain significance (1 of 4 stars; one submission).

Conditions:
Ehlers-Danlos syndrome, type 4 (EDSVASC). Also called: Ehlers-Danlos syndrome vascular type; Ehlers Danlos syndrome, ecchymotic type; Ehlers Danlos syndrome, arterial type; Ehlers Danlos syndrome, Sack-Barabas type; Ehlers-Danlos Syndrome Type IV. Identifiers: Orphanet 286, MedGen C0268338, MONDO:0017314, OMIM 130050.

Submission:

Labcorp Genetics (formerly Invitae), Labcorp
Classification: Uncertain significance for Ehlers-Danlos syndrome, type 4. Last evaluated: 2026-01-06. Review status: criteria provided, single submitter. Criteria: Invitae Variant Classification Sherloc (09022015). Collection method: clinical testing. Allele origin: germline.
Comment: This sequence change falls in intron 27 of the COL3A1 gene. It does not directly change the encoded amino acid sequence of the COL3A1 protein. It affects a nucleotide within the consensus splice site. This variant is not present in population databases (gnomAD no frequency). This variant has not been reported in the literature in individuals affected with COL3A1-related conditions. Variants that disrupt the consensus splice site are a relatively common cause of aberrant splicing (PMID: 17576681, 9536098). Algorithms developed to predict the effect of sequence changes on RNA splicing suggest that this variant is not likely to affect RNA splicing. In summary, the available evidence is currently insufficient to determine the role of this variant in disease. Therefore, it has been classified as a Variant of Uncertain Significance.

Literature cited by the submitters: PubMed 17576681; PubMed 9536098.

NM_000090.4(COL3A1):c.1923+6A>T

Gene: COL3A1 (collagen type III alpha 1 chain; plus strand). Cytogenetic location: 2q32.2.
Variant type: single nucleotide variant.
Coding change: c.1923+6A>T on transcript NM_000090.4 (MANE Select); 6 bases into the intron after coding-DNA position 1923, A replaced by T.
Molecular consequence: intron variant.
Genome position (GRCh38, 1-based): chr2:188,997,759, A>T. VCF-style: chr2-188997759-A-T. GRCh37 (hg19) VCF-style: chr2-189862485-A-T.
Identifiers: ClinVar variation 4734824 (VCV004734824.1).